The following is an entry in ClinVar:

NM_000245.4(MET):c.1123A>C (p.Asn375His)

Gene: MET (MET proto-oncogene, receptor tyrosine kinase; plus strand). Cytogenetic location: 7q31.2.
Variant type: single nucleotide variant.
Coding change: c.1123A>C on transcript NM_000245.4 (MANE Select); coding-DNA position 1123, A replaced by C.
Protein change: p.Asn375His; replaces asparagine 375 with histidine.
Molecular consequence: missense variant. On other transcripts: intron variant (1).
Genome position (GRCh38, 1-based): chr7:116,700,207, A>C. VCF-style: chr7-116700207-A-C. GRCh37 (hg19) VCF-style: chr7-116340261-A-C.
Other names: c.1123A>C, p.Asn375His (NM_001127500.3, NM_001324401.3); c.-91+27630A>C (NM_001324402.2); short protein forms N375H.
Identifiers: ClinVar variation 5024393 (VCV005024393.1).

ClinVar aggregate classification (germline): Uncertain significance (1 of 4 stars; one submission).

Conditions:
Hereditary cancer-predisposing syndrome. Also called: Neoplastic Syndromes, Hereditary; Tumor predisposition; Hereditary neoplastic syndrome; Hereditary Cancer Syndrome. Identifiers: Orphanet 140162, MedGen C0027672, MeSH D009386, MONDO:0015356.

gnomAD v4.1: 1 of 1,594,660 alleles (0.000063%); highest among the groups gnomAD compares: Non-Finnish European, 0.000085%; no homozygotes.

Submission:

Ambry Genetics
Classification: Uncertain significance for Hereditary cancer-predisposing syndrome. Last evaluated: 2026-07-07. Review status: criteria provided, single submitter. Criteria: Ambry Variant Classification Scheme 2023. Collection method: clinical testing. Allele origin: germline.
Comment: The p.N375H variant (also known as c.1123A>C), located in coding exon 1 of the MET gene, results from an A to C substitution at nucleotide position 1123. The asparagine at codon 375 is replaced by histidine, an amino acid with similar properties. This amino acid position is conserved. In addition, this alteration is predicted to be tolerated by in silico analysis. Based on the available evidence, the clinical significance of this variant remains unclear.